The following is an entry in ClinVar:

ClinVar aggregate classification (germline): Uncertain significance. Review status: criteria provided, multiple submitters, no conflicts (2 of 4 stars). 2 submissions from 2 submitters: Uncertain significance (2). Last evaluated 2022-01-14.

Conditions:
Congenital contractural arachnodactyly (CCA). Also called: Beals-Hecht syndrome; BEALS SYNDROME; Arthrogryposis, distal, type 9. Identifiers: Orphanet 115, MedGen C0220668, MONDO:0007363, OMIM 121050.
Macular degeneration, early-onset (EOMD). Identifiers: MedGen C4015286, MONDO:0014501, OMIM 616118.

Allele frequency attached by ClinVar (database versions not stated): gnomAD exomes below 0.00001; TOPMed 0.00002.
gnomAD v4.1: 6 of 1,613,576 alleles (0.00037%); highest among the groups gnomAD compares: Non-Finnish European, 0.00051%; no homozygotes.

Submissions (2):

Fulgent Genetics
Classification: Uncertain significance for Congenital contractural arachnodactyly; Macular degeneration, early-onset. Last evaluated: 2022-01-14. Review status: criteria provided, single submitter. Criteria: ACMG Guidelines, 2015. Collection method: clinical testing. Allele origin: unknown.

GeneDx
Classification: Uncertain significance. Last evaluated: 2020-06-01. Review status: criteria provided, single submitter. Criteria: GeneDx Variant Classification Process June 2021. Collection method: clinical testing. Allele origin: germline. Affected: yes.
Comment: Has not been previously published as pathogenic or benign to our knowledge; Not observed in large population cohorts (Lek et al., 2016); In silico analysis supports that this missense variant has a deleterious effect on protein structure/function; Although located in a calcium-binding EGF-like domain of the FBN2 gene, it does not affect a cysteine residue within this domain; cysteine substitutions in the calcium-binding EGF-like domains represent the majority of pathogenic missense changes associated with FBN2-related disorders (Frederic et al., 2009)

NM_001999.4(FBN2):c.6680C>T (p.Thr2227Ile)

Gene: FBN2 (fibrillin 2; minus strand). Cytogenetic location: 5q23.3.
Variant type: single nucleotide variant.
Coding change: c.6680C>T on transcript NM_001999.4 (MANE Select); coding-DNA position 6680, C replaced by T.
Protein change: p.Thr2227Ile; replaces threonine 2227 with isoleucine.
Molecular consequence: missense variant.
Genome position (GRCh38, 1-based): chr5:128,288,515, G>A on the plus strand (C>T on the coding strand, the complement: FBN2 is on the minus strand). VCF-style: chr5-128288515-G-A. GRCh37 (hg19) VCF-style: chr5-127624207-G-A.
Other names: short protein forms T2227I.
Identifiers: ClinVar variation 213349 (VCV000213349.4), dbSNP rs863223583, ClinGen allele CA325079.